The following is an entry in ClinVar:

ClinVar aggregate classification (germline): Uncertain significance (1 of 4 stars; one submission).

Submission:

GeneDx
Classification: Uncertain significance. Last evaluated: 2025-02-22. Review status: criteria provided, single submitter. Criteria: GeneDx Variant Classification Process June 2021. Collection method: clinical testing. Allele origin: germline. Affected: yes.
Comment: Not observed at significant frequency in large population cohorts (gnomAD); In silico analysis supports that this missense variant has a deleterious effect on protein structure/function; Has not been previously published as pathogenic or benign to our knowledge

NM_173689.7(CRB2):c.772T>C (p.Cys258Arg)

Gene: CRB2 (crumbs cell polarity complex component 2; plus strand). Cytogenetic location: 9q33.3.
Variant type: single nucleotide variant.
Coding change: c.772T>C on transcript NM_173689.7 (MANE Select); coding-DNA position 772, T replaced by C.
Protein change: p.Cys258Arg; replaces cysteine 258 with arginine.
Molecular consequence: missense variant.
Genome position (GRCh38, 1-based): chr9:123,367,189, T>C. VCF-style: chr9-123367189-T-C. GRCh37 (hg19) VCF-style: chr9-126129468-T-C.
Other names: short protein forms C258R.
Identifiers: ClinVar variation 4076765 (VCV004076765.1).